The following is an entry in ClinVar:

NM_000478.6(ALPL):c.609C>G (p.Asp203Glu)

Gene: ALPL (alkaline phosphatase, biomineralization associated; plus strand). Cytogenetic location: 1p36.12.
Variant type: single nucleotide variant.
Coding change: c.609C>G on transcript NM_000478.6 (MANE Select); coding-DNA position 609, C replaced by G.
Protein change: p.Asp203Glu; replaces aspartic acid 203 with glutamic acid.
Molecular consequence: missense variant.
Genome position (GRCh38, 1-based): chr1:21,564,177, C>G. VCF-style: chr1-21564177-C-G. GRCh37 (hg19) VCF-style: chr1-21890670-C-G.
Other names: c.444C>G, p.Asp148Glu (NM_001127501.4); c.378C>G, p.Asp126Glu (NM_001177520.3); c.609C>G, p.Asp203Glu (NM_001369803.2, NM_001369804.2, NM_001369805.2); short protein forms D126E, D148E, D203E.
Identifiers: ClinVar variation 4974811 (VCV004974811.1).

ClinVar aggregate classification (germline): Likely pathogenic (1 of 4 stars; one submission).

Conditions:
Hypophosphatasia. Also called: Phosphoethanol-aminuria. Identifiers: Orphanet 436, MedGen C0020630, MeSH D007014, MONDO:0018570.

Submission:

Genomenon, Inc
Classification: Likely pathogenic for Hypophosphatasia. Last evaluated: 2026-09-01. Review status: criteria provided, single submitter. Criteria: Genomenon Sequence Variant Interpretation Standards - Updated. Collection method: curation. Allele origin: germline. Affected: yes.
Comment: ALPL p.Asp203Glu (c.609C>G) is a missense variant that changes the amino acid at codon 203 from Aspartic acid to Glutamic acid. This variant has been observed in at least one proband affected with an ALPL-related disorder (PMID:32160374). At least one functional study has demonstrated a substantial alteration in protein function relative to the wild-type (PMID:32160374). It is absent or not present at a significant frequency in gnomAD. In silico models predict that this variant is possibly or probably damaging. In conclusion, we classify ALPL p.Asp203Glu (c.609C>G) as a likely pathogenic variant.

Literature cited by the submitters: PubMed 32160374.